The following is an entry in ClinVar:

NM_001267550.2(TTN):c.1213G>A (p.Ala405Thr)

Gene: TTN (titin; minus strand). Cytogenetic location: 2q31.2.
Variant type: single nucleotide variant.
Coding change: c.1213G>A on transcript NM_001267550.2 (MANE Select); coding-DNA position 1213, G replaced by A.
Protein change: p.Ala405Thr; replaces alanine 405 with threonine.
Molecular consequence: missense variant.
Genome position (GRCh38, 1-based): chr2:178,794,954, C>T on the plus strand (G>A on the coding strand, the complement: TTN is on the minus strand). VCF-style: chr2-178794954-C-T. GRCh37 (hg19) VCF-style: chr2-179659681-C-T.
Other names: c.1213G>A, p.Ala405Thr (NM_133378.4, NM_001256850.1, NM_003319.4 and 3 more transcripts); short protein forms A405T.
Identifiers: ClinVar variation 166354 (VCV000166354.30), dbSNP rs112266780, ClinGen allele CA179430.

ClinVar aggregate classification (germline): Conflicting classifications of pathogenicity. Review status: criteria provided, conflicting classifications (1 of 4 stars). 6 submissions from 6 submitters: Uncertain significance (1); Benign (2); Likely benign (2). 1 of the submissions does not count toward it. Last evaluated 2026-01-19.

Conditions:
TTN-related disorder. Also called: TTN-related condition; TTN-related disease; TTN-related disorders.
Cardiovascular phenotype. Identifiers: MedGen CN230736.
Autosomal recessive limb-girdle muscular dystrophy type 2J (LGMDR10). Also called: Limb-girdle muscular dystrophy, type 2J; MUSCULAR DYSTROPHY, LIMB-GIRDLE, AUTOSOMAL RECESSIVE 10. Identifiers: Orphanet 140922, MedGen C1837342, MONDO:0012127, OMIM 608807.
Dilated cardiomyopathy 1G (CMD1G). Identifiers: Orphanet 154, MedGen C1858763, MONDO:0011400, OMIM 604145.

Allele frequency attached by ClinVar (database versions not stated): TOPMed 0.00014; 1000 Genomes Project 0.00020; 1000 Genomes Project 30x 0.00031; gnomAD exomes 0.00040; ExAC 0.00042; gnomAD 0.00011 and 0.00013.
gnomAD v4.1: 139 of 1,604,320 alleles (0.0087%); highest among the groups gnomAD compares: East Asian, 0.25%; no homozygotes.

Submissions (6):

Labcorp Genetics (formerly Invitae), Labcorp
Classification: Benign for Dilated cardiomyopathy 1G; Autosomal recessive limb-girdle muscular dystrophy type 2J. Last evaluated: 2026-01-19. Review status: criteria provided, single submitter. Criteria: Invitae Variant Classification Sherloc (09022015). Collection method: clinical testing. Allele origin: germline.

Blueprint Genetics
Classification: Likely benign. Last evaluated: 2024-05-28. Review status: criteria provided, single submitter. Criteria: ACMG Guidelines, 2015. Collection method: clinical testing. Allele origin: germline.

GeneDx
Classification: Likely benign. Last evaluated: 2020-11-13. Review status: criteria provided, single submitter. Criteria: GeneDx Variant Classification Process June 2021. Collection method: clinical testing. Allele origin: germline. Affected: yes.

Ambry Genetics
Classification: Benign for Cardiovascular phenotype. Last evaluated: 2020-08-11. Review status: criteria provided, single submitter. Criteria: Ambry Variant Classification Scheme 2023. Collection method: clinical testing. Allele origin: germline.

Laboratory for Molecular Medicine, Mass General Brigham Personalized Medicine
Classification: Uncertain significance. Last evaluated: 2014-06-26. Review status: criteria provided, single submitter. Criteria: LMM Criteria. Collection method: clinical testing. Allele origin: germline. Observed: 1 variant allele.
Comment: Variant classified as Uncertain Significance - Favor Benign. The Ala405Thr varia nt in TTN has not been previously reported in individuals with cardiomyopathy. I t has also been identified in 1/10 Southern African chromosomes in the Bushman p opulation (dbSNP rs112266780). Computational prediction tools and conservation a nalysis suggest that this variant may not impact the protein (several mammals ca rry the variant amino acid), though this information is not predictive enough to rule out pathogenicity. In summary, while the clinical significance of the Ala4 05Thr variant is uncertain, these data suggest that it is more likely to be beni gn.

PreventionGenetics, part of Exact Sciences
Classification: Likely benign for TTN-related condition. Last evaluated: 2019-10-22. Review status: no assertion criteria provided. Collection method: clinical testing. Allele origin: germline. Not counted in ClinVar's aggregate classification.
Comment: This variant is classified as likely benign based on ACMG/AMP sequence variant interpretation guidelines (Richards et al. 2015 PMID: 25741868, with internal and published modifications).